The following is an entry in ClinVar:

NM_001303256.3(MORC2):c.2914C>T (p.Arg972Trp)

Gene: MORC2 (MORC family CW-type zinc finger 2; minus strand). Cytogenetic location: 22q12.2.
Variant type: single nucleotide variant.
Coding change: c.2914C>T on transcript NM_001303256.3 (MANE Select); coding-DNA position 2914, C replaced by T.
Protein change: p.Arg972Trp; replaces arginine 972 with tryptophan.
Molecular consequence: missense variant.
Genome position (GRCh38, 1-based): chr22:30,928,135, G>A on the plus strand (C>T on the coding strand, the complement: MORC2 is on the minus strand). VCF-style: chr22-30928135-G-A. GRCh37 (hg19) VCF-style: chr22-31324122-G-A.
Other names: c.2914C>T, p.Arg972Trp (NM_001303257.2); c.2728C>T, p.Arg910Trp (NM_014941.3); short protein forms R910W, R972W.
Identifiers: ClinVar variation 475589 (VCV000475589.9), dbSNP rs1485425350, ClinGen allele CA411229864.

ClinVar aggregate classification (germline): Uncertain significance (1 of 4 stars; one submission).

Conditions:
Charcot-Marie-Tooth disease axonal type 2Z. Also called: CHARCOT-MARIE-TOOTH DISEASE, AXONAL, AUTOSOMAL DOMINANT, TYPE 2Z; CHARCOT-MARIE-TOOTH NEUROPATHY, TYPE 2Z. Identifiers: Orphanet 466768, MedGen C5569025, MONDO:0014736, OMIM 616688.

Allele frequency attached by ClinVar (database versions not stated): gnomAD exomes below 0.00001; gnomAD 0.00001; TOPMed 0.00002.
gnomAD v4.1: 2 of 1,614,028 alleles (0.00012%); highest among the groups gnomAD compares: African/African-American, 0.0013%; no homozygotes.

Submission:

Labcorp Genetics (formerly Invitae), Labcorp
Classification: Uncertain significance for Charcot-Marie-Tooth disease axonal type 2Z. Last evaluated: 2019-06-23. Review status: criteria provided, single submitter. Criteria: Invitae Variant Classification Sherloc (09022015). Collection method: clinical testing. Allele origin: germline.
Comment: This variant has been observed in an individual affected with a severe developmental disorder (PMID: 28135719). ClinVar contains an entry for this variant (Variation ID: 475589). In summary, this variant is a novel missense change with uncertain impact on protein function. It has been classified as a Variant of Uncertain Significance. Algorithms developed to predict the effect of missense changes on protein structure and function do not agree on the potential impact of this missense change (SIFT: "Deleterious"; PolyPhen-2: "Benign"; Align-GVGD: "Class C0"). This variant is not present in population databases (ExAC no frequency). This sequence change replaces arginine with tryptophan at codon 910 of the MORC2 protein (p.Arg910Trp). The arginine residue is moderately conserved and there is a moderate physicochemical difference between arginine and tryptophan.

Literature cited by the submitters: PubMed 28135719.